The following is an entry in ClinVar:

NM_001363711.2(DUOX2):c.1398+2T>C

Gene: DUOX2 (dual oxidase 2; minus strand). Cytogenetic location: 15q21.1.
Variant type: single nucleotide variant.
Coding change: c.1398+2T>C on transcript NM_001363711.2 (MANE Select); the canonical splice donor site of the intron after coding-DNA position 1398, T replaced by C.
Molecular consequence: splice donor variant.
Genome position (GRCh38, 1-based): chr15:45,108,787, A>G on the plus strand (T>C on the coding strand, the complement: DUOX2 is on the minus strand). VCF-style: chr15-45108787-A-G. GRCh37 (hg19) VCF-style: chr15-45400985-A-G.
Other names: c.1398+2T>C (NM_014080.5).
Identifiers: ClinVar variation 2958607 (VCV002958607.3), dbSNP rs781491435, ClinGen allele CA7538640.

ClinVar aggregate classification (germline): Likely pathogenic (1 of 4 stars; one submission).

Allele frequency attached by ClinVar (database versions not stated): gnomAD exomes below 0.00001; TOPMed below 0.00001; ExAC 0.00001.
gnomAD v4.1: 2 of 1,614,232 alleles (0.00012%); highest among the groups gnomAD compares: Admixed American, 0.0033%; no homozygotes.

Submission:

Labcorp Genetics (formerly Invitae), Labcorp
Classification: Likely pathogenic. Last evaluated: 2023-10-16. Review status: criteria provided, single submitter. Criteria: Invitae Variant Classification Sherloc (09022015). Collection method: clinical testing. Allele origin: germline.
Comment: This sequence change affects a donor splice site in intron 12 of the DUOX2 gene. It is expected to disrupt RNA splicing. Variants that disrupt the donor or acceptor splice site typically lead to a loss of protein function (PMID: 16199547), and loss-of-function variants in DUOX2 are known to be pathogenic (PMID: 12110737, 18765513, 21565790, 24423310, 24735383). This variant is present in population databases (rs781491435, gnomAD 0.006%). Disruption of this splice site has been observed in individual(s) with congenital hypothyroidism (PMID: 33631011). Algorithms developed to predict the effect of sequence changes on RNA splicing suggest that this variant may disrupt the consensus splice site. In summary, the currently available evidence indicates that the variant is pathogenic, but additional data are needed to prove that conclusively. Therefore, this variant has been classified as Likely Pathogenic.

Literature cited by the submitters: PubMed 16199547; PubMed 12110737; PubMed 18765513; PubMed 21565790; PubMed 24423310; PubMed 24735383; PubMed 33631011.